The following is an entry in ClinVar:

ClinVar aggregate classification (germline): Uncertain significance. Review status: criteria provided, multiple submitters, no conflicts (2 of 4 stars). 2 submissions from 2 submitters: Uncertain significance (2). Last evaluated 2025-04-13.

Conditions:
KIDINS220-related disorder. Also called: KIDINS220-related condition.

Allele frequency attached by ClinVar (database versions not stated): gnomAD exomes below 0.00001; ExAC 0.00001; TOPMed 0.00001.
gnomAD v4.1: 3 of 1,614,172 alleles (0.00019%); highest among the groups gnomAD compares: Admixed American, 0.005%; no homozygotes.

Submissions (2):

PreventionGenetics, part of Exact Sciences
Classification: Uncertain significance for KIDINS220-related condition. Last evaluated: 2025-04-13. Review status: criteria provided, single submitter. Criteria: ACMG Guidelines, 2015. Collection method: clinical testing. Allele origin: germline.
Comment: The KIDINS220 c.3371A>G variant is predicted to result in the amino acid substitution p.Tyr1124Cys. To our knowledge, this variant has not been reported in the literature. This variant is reported in 0.0058% of alleles in individuals of Latino descent in gnomAD. At this time, the clinical significance of this variant is uncertain due to the absence of conclusive functional and genetic evidence.

Labcorp Genetics (formerly Invitae), Labcorp
Classification: Uncertain significance. Last evaluated: 2022-11-08. Review status: criteria provided, single submitter. Criteria: Invitae Variant Classification Sherloc (09022015). Collection method: clinical testing. Allele origin: germline.
Comment: Algorithms developed to predict the effect of missense changes on protein structure and function are either unavailable or do not agree on the potential impact of this missense change (SIFT: "Tolerated"; PolyPhen-2: "Probably Damaging"; Align-GVGD: "Class C15"). In summary, the available evidence is currently insufficient to determine the role of this variant in disease. Therefore, it has been classified as a Variant of Uncertain Significance. This variant has not been reported in the literature in individuals affected with KIDINS220-related conditions. This variant is present in population databases (rs761974504, gnomAD 0.006%). This sequence change replaces tyrosine, which is neutral and polar, with cysteine, which is neutral and slightly polar, at codon 1124 of the KIDINS220 protein (p.Tyr1124Cys).

NM_020738.4(KIDINS220):c.3371A>G (p.Tyr1124Cys)

Gene: KIDINS220 (kinase D interacting substrate 220; minus strand). Cytogenetic location: 2p25.1.
Variant type: single nucleotide variant.
Coding change: c.3371A>G on transcript NM_020738.4 (MANE Select); coding-DNA position 3371, A replaced by G.
Protein change: p.Tyr1124Cys; replaces tyrosine 1124 with cysteine.
Molecular consequence: missense variant. On other transcripts: non-coding transcript variant (2).
Genome position (GRCh38, 1-based): chr2:8,750,155, T>C on the plus strand (A>G on the coding strand, the complement: KIDINS220 is on the minus strand). VCF-style: chr2-8750155-T-C. GRCh37 (hg19) VCF-style: chr2-8890285-T-C.
Other names: c.3374A>G, p.Tyr1125Cys (NM_001348729.2, NM_001348731.2, NM_001348734.2 and 2 more transcripts); c.3371A>G, p.Tyr1124Cys (NM_001348732.2, NM_001348735.2, NM_001348738.2 and 3 more transcripts); c.3245A>G, p.Tyr1082Cys (NM_001348736.2); c.3371A>G (NM_020738.2); short protein forms Y1082C, Y1125C, Y1124C.
Identifiers: ClinVar variation 2151134 (VCV002151134.5), dbSNP rs761974504, ClinGen allele CA1519685.